The following is an entry in ClinVar:

NM_000975.5(RPL11):c.223C>T (p.Arg75Ter)

Gene: RPL11 (ribosomal protein L11; plus strand). Cytogenetic location: 1p36.11.
Variant type: single nucleotide variant.
Coding change: c.223C>T on transcript NM_000975.5 (MANE Select); coding-DNA position 223, C replaced by T.
Protein change: p.Arg75Ter; replaces arginine 75 with a stop codon.
Molecular consequence: nonsense.
Genome position (GRCh38, 1-based): chr1:23,693,872, C>T. VCF-style: chr1-23693872-C-T. GRCh37 (hg19) VCF-style: chr1-24020362-C-T.
Other names: c.220C>T, p.Arg74Ter (NM_001199802.1); c.223C>T, p.Arg75Ter (LRG_1140t1); short protein forms R75*, R74*.
Identifiers: ClinVar variation 5751 (VCV000005751.20), dbSNP rs121434389, ClinGen allele CA253595.

ClinVar aggregate classification (germline): Pathogenic. Review status: criteria provided, multiple submitters, no conflicts (2 of 4 stars). 6 submissions from 6 submitters: Pathogenic (5). 1 of the submissions does not count toward it. Last evaluated 2024-06-26.

Conditions:
Diamond-Blackfan anemia 7 (DBA7). Also called: RPL11-Related Diamond-Blackfan Anemia. Identifiers: Orphanet 124, MedGen C2675512, MONDO:0012938, OMIM 612562.
Diamond-Blackfan anemia. Also called: Blackfan Diamond syndrome; Aregenerative anemia chronic congenital; Red cell aplasia, pure hereditary; Congenital hypoplastic anemia; Aase syndrome. Identifiers: Orphanet 124, MedGen C1260899, MeSH D029503, MONDO:0015253, HP:0004810.

Submissions (6):

Institute of Human Genetics, University of Leipzig Medical Center
Classification: Pathogenic for Diamond-Blackfan anemia 7. Last evaluated: 2024-06-26. Review status: criteria provided, single submitter. Criteria: ACMG Guidelines, 2015. Collection method: clinical testing. Allele origin: unknown. Inheritance: Autosomal dominant inheritance. Affected: yes.
Comment: Criteria applied: PVS1,PS4_MOD,PM2

3billion
Classification: Pathogenic for Diamond-Blackfan anemia 7. Last evaluated: 2023-02-23. Review status: criteria provided, single submitter. Criteria: ACMG Guidelines, 2015. Collection method: clinical testing. Allele origin: unknown. Affected: yes.
Comment: The variant is not observed in the gnomAD v2.1.1 dataset. This variant was predicted to result in a loss or disruption of normal protein function through nonsense-mediated decay (NMD) or protein truncation. Multiple pathogenic variants are reported downstream of the variant. The variant has been reported at least twice as pathogenic without evidence for the classification (ClinVar ID: VCV000005751 / PMID: 19061985). Therefore, this variant is classified as Pathogenic according to the recommendation of ACMG/AMP guideline.

Revvity Omics, Revvity
Classification: Pathogenic for Diamond-Blackfan anemia 7. Last evaluated: 2022-04-15. Review status: criteria provided, single submitter. Criteria: ACMG Guidelines, 2015. Collection method: clinical testing. Allele origin: germline.

GeneDx
Classification: Pathogenic. Last evaluated: 2021-11-01. Review status: criteria provided, single submitter. Criteria: GeneDx Variant Classification Process June 2021. Collection method: clinical testing. Allele origin: germline. Affected: yes.
Comment: Nonsense variant predicted to result in protein truncation or nonsense mediated decay in a gene for which loss-of-function is a known mechanism of disease; Not observed at significant frequency in large population cohorts (Lek et al., 2016); This variant is associated with the following publications: (PMID: 25525159, 19061985)

Labcorp Genetics (formerly Invitae), Labcorp
Classification: Pathogenic for Diamond-Blackfan anemia. Last evaluated: 2018-02-08. Review status: criteria provided, single submitter. Criteria: Invitae Variant Classification Sherloc (09022015). Collection method: clinical testing. Allele origin: germline.
Comment: For these reasons, this variant has been classified as Pathogenic. Loss-of-function variants in RPL11 are known to be pathogenic (PMID: 19773262, 19061985). This variant has been reported to be de novo in an individual affected with Diamond-Blackfan anemia (PMID: 19061985). ClinVar contains an entry for this variant (Variation ID: 5751). This variant is not present in population databases (ExAC no frequency). This sequence change creates a premature translational stop signal (p.Arg75*) in the RPL11 gene. It is expected to result in an absent or disrupted protein product.

OMIM
Classification: Pathogenic for DIAMOND-BLACKFAN ANEMIA 7. Last evaluated: 2008-12-01. Review status: no assertion criteria provided. Collection method: literature only. Allele origin: germline. Not counted in ClinVar's aggregate classification.

Literature cited by the submitters: PubMed 19061985 (cited by 3 submitters); PubMed 19773262 (cited by Labcorp Genetics (formerly Invitae), Labcorp).